The following is an entry in ClinVar:

NM_000052.7(ATP7A):c.1273C>T (p.Leu425=)

Gene: ATP7A (ATPase copper transporting alpha; plus strand). Cytogenetic location: Xq21.1.
Variant type: single nucleotide variant.
Coding change: c.1273C>T on transcript NM_000052.7 (MANE Select); coding-DNA position 1273, C replaced by T.
Protein change: p.Leu425=; no amino-acid change (leucine 425 retained).
Molecular consequence: synonymous variant.
Genome position (GRCh38, 1-based): chrX:77,989,895, C>T. VCF-style: chrX-77989895-C-T. GRCh37 (hg19) VCF-style: chrX-77245391-C-T.
Other names: c.1273C>T, p.Leu425= (NM_001282224.2).
Identifiers: ClinVar variation 388524 (VCV000388524.8), dbSNP rs781950759, ClinGen allele CA10459018.
Genomic context (GRCh38, chrX:77,989,895, plus strand): 5'-GTAAAATCCATACGAGTCTCCCTTGCAAATAGCAATGGGACTGTTGAGTATGATCCTCTA[C>T]TAACCTCTCCAGAAACGTTGAGAGGAGCAATAGAAGACATGGGATTTGATGCTACCTTGT-3'
Protein context (NP_000043.4, residues 415-435): SNGTVEYDPL[Leu425=]TSPETLRGAI

ClinVar aggregate classification (germline): Likely benign. Review status: criteria provided, multiple submitters, no conflicts (2 of 4 stars). 2 submissions from 2 submitters: Likely benign (2). Last evaluated 2025-12-08.

Conditions:
Cutis laxa, X-linked (OHS). Also called: EDS IX; Occipital horn syndrome. Identifiers: Orphanet 198, MedGen C0268353, MONDO:0010572, OMIM 304150.
X-linked distal spinal muscular atrophy type 3. Also called: SPINAL MUSCULAR ATROPHY, DISTAL, X-LINKED RECESSIVE; ATP7A-Related Distal Motor Neuropathy; NEURONOPATHY, DISTAL HEREDITARY MOTOR, X-LINKED; NEUROPATHY, DISTAL HEREDITARY MOTOR, X-LINKED. Identifiers: Orphanet 139557, MedGen C1845359, MONDO:0010338, OMIM 300489.
Menkes kinky-hair syndrome (MNK). Also called: Copper transport disease; Menkes Disease; Classic Menkes Disease. Identifiers: Orphanet 565, MedGen C0022716, MONDO:0010651, OMIM 309400.

Allele frequency attached by ClinVar (database versions not stated): ExAC 0.00001; gnomAD exomes 0.00001 and 0.00002; gnomAD 0.00004 and 0.00005; TOPMed 0.00004.

Submissions (2):

Labcorp Genetics (formerly Invitae), Labcorp
Classification: Likely benign for X-linked distal spinal muscular atrophy type 3; Cutis laxa, X-linked; Menkes kinky-hair syndrome. Last evaluated: 2025-12-08. Review status: criteria provided, single submitter. Criteria: Invitae Variant Classification Sherloc (09022015). Collection method: clinical testing. Allele origin: germline.

GeneDx
Classification: Likely benign. Last evaluated: 2016-08-15. Review status: criteria provided, single submitter. Criteria: GeneDx Variant Classification (06012015). Collection method: clinical testing. Allele origin: germline. Affected: yes.
Comment: This variant is considered likely benign or benign based on one or more of the following criteria: it is a conservative change, it occurs at a poorly conserved position in the protein, it is predicted to be benign by multiple in silico algorithms, and/or has population frequency not consistent with disease.